The following continues an entry in ClinVar:

NM_007294.4(BRCA1):c.1865C>T (p.Ala622Val)

Gene: BRCA1. ClinVar aggregate classification (germline): Benign. Benign (1).

Submissions 16 to 25 of 25:

Laboratory for Molecular Medicine, Mass General Brigham Personalized Medicine
Classification: Uncertain significance. Last evaluated: 2016-06-16. Review status: criteria provided, single submitter. Criteria: LMM Criteria. Collection method: clinical testing. Allele origin: germline. Not counted in ClinVar's aggregate classification.
Comment: Variant identified in a genome or exome case(s) and assessed due to predicted null impact of the variant or pathogenic assertions in the literature or databases. Disclaimer: This variant has not undergone full assessment. The following are preliminary notes: Multple papers describe as VUS; ClinVar: 2 B/LB, 3 VUS

Molecular Genetics Laboratory, University of Michigan
Classification: Likely benign for Breast-ovarian cancer, familial, susceptibility to, 1. Last evaluated: 2016-04-21. Review status: criteria provided, single submitter. Criteria: ACMG Guidelines, 2015. Collection method: clinical testing. Allele origin: germline. Affected: yes. Not counted in ClinVar's aggregate classification.

CHEO Genetics Diagnostic Laboratory, Children's Hospital of Eastern Ontario
Classification: Uncertain significance for Breast and/or ovarian cancer. Last evaluated: 2015-08-11. Review status: criteria provided, single submitter. Criteria: ACMG Guidelines, 2015. Collection method: clinical testing. Allele origin: germline. Study: Canadian Open Genetics Repository. Not counted in ClinVar's aggregate classification.

Ambry Genetics
Classification: Benign for Hereditary cancer-predisposing syndrome. Last evaluated: 2014-11-18. Review status: criteria provided, single submitter. Criteria: Ambry Variant Classification Scheme 2023. Collection method: clinical testing. Allele origin: germline. Not counted in ClinVar's aggregate classification.

CSER _CC_NCGL, University of Washington
Classification: Uncertain significance for Breast cancer. Last evaluated: 2014-06-01. Review status: criteria provided, single submitter. Criteria: Amendola et al. (Genome Res. 2015). Collection method: research. Allele origin: germline. Inheritance: Autosomal dominant inheritance. Study: ESP 6500 variant annotation. Not counted in ClinVar's aggregate classification.
Comment: Low GERP score may suggest that this variant may belong in a lower pathogenicity class

Variants classified for the Actionable exomic incidental findings in 6503 participants: challenges of variant classification manuscript

PreventionGenetics, part of Exact Sciences
Classification: Likely benign for BRCA1-related condition. Last evaluated: 2024-05-24. Review status: no assertion criteria provided. Collection method: clinical testing. Allele origin: germline. Not counted in ClinVar's aggregate classification.
Comment: This variant is classified as likely benign based on ACMG/AMP sequence variant interpretation guidelines (Richards et al. 2015 PMID: 25741868, with internal and published modifications).

Breast Cancer Information Core (BIC) (BRCA1)
Classification: Uncertain significance for Breast-ovarian cancer, familial 1. Last evaluated: 2002-05-29. Review status: no assertion criteria provided. Collection method: clinical testing. Allele origin: germline. Affected: yes. Observed: 15 variant alleles. Not counted in ClinVar's aggregate classification.

Clinical Genetics Laboratory, Department of Pathology, Netherlands Cancer Institute
Classification: Benign. Review status: no assertion criteria provided. Collection method: clinical testing. Allele origin: germline. Affected: yes. Study: VKGL Data-share Consensus. Not counted in ClinVar's aggregate classification.

Department of Pathology and Laboratory Medicine, Sinai Health System
Classification: Likely benign. Review status: no assertion criteria provided. Collection method: clinical testing. Allele origin: unknown. Affected: yes. Study: The Canadian Open Genetics Repository (COGR). Not counted in ClinVar's aggregate classification.
Comment: The BRCA1 p.Ala622Val variant was identified in 5 of 26494 proband chromosomes (frequency: 0.0002) from individuals or families with breast and ovarian cancer and was present in 2 of 38,284 control chromosomes (frequency: 0.00005) from healthy individuals (Wong-Brown 2015, Moghadasi 2013, Momozawa 2018, Borg 2010, Lee 2008, Tikhomirova 2007). The variant was identified in dbSNP (rs56039126) as â€šÃ„Ãºwith other alleleâ€šÃ„Ã¹, ClinVar (classified as benign by Invitae, Color, Integrated Genetics, Ambry Genetics and ENIGMA, uncertain significance by Partners Healthcare, BIC and 2 other submitters and likely benign by GeneDx and University of Michigan), LOVD 3.0 (observed 1x) and UMD-LSDB (observed 14x). The variant was identified in control databases in 15 of 267,978 chromosomes at a frequency of 0.00006 (Genome Aggregation Database Feb 27, 2017). The variant was observed in the following populations: European in 13 of 117,956 chromosomes (freq: 0.0001), East Asian in 1 of 19,248 chromosomes (freq: 0.00005), Latino in 1 of 35,080 chromosomes (freq: 0.00003); it was not observed in the African, Ashkenazi Jewish, Finnish, Other and South Asian populations. A clinical laboratory reported that the variant was identified with multiple co-occurring pathogenic variants (BRCA2 c.5722_5723delCT; p.Leu1908Argfs, BRCA2 c.658_659delGT; p.Val220Ilefs, BRCA2 c.6275_6276delTT; p.Leu2092Profs, BRIP1 c.440dupA; p.Tyr147*). In addition, the variant had no demonstrated effect on in vitro splicing (Anczukow 2008). The p.Ala622Val residue is not conserved in mammals and four out of five computational analyses (PolyPhen-2, SIFT, AlignGVGD, BLOSUM, MutationTaster) do not suggest a high likelihood of impact to the protein; however, this information is not predictive enough to rule out pathogenicity. The variant occurs outside of the splicing consensus sequence and in silico or computational prediction software programs (SpliceSiteFinder, MaxEntScan, NNSPLICE, GeneSplicer) do not predict a difference in splicing. In summary, based on the above information the clinical significance of this variant cannot be determined with certainty at this time although we would lean towards a more benign role for this variant. This variant is classified as likely benign.

Joint Genome Diagnostic Labs from Nijmegen and Maastricht, Radboudumc and MUMC+
Classification: Benign. Review status: no assertion criteria provided. Collection method: clinical testing. Allele origin: germline. Affected: yes. Study: VKGL Data-share Consensus. Not counted in ClinVar's aggregate classification.

Literature cited by the submitters: PubMed 21990134 (cited by Evidence-based Network for the Interpretation of Germline Mutant Alleles (ENIGMA) and Women's Health and Genetics/Laboratory Corporation of America, LabCorp); PubMed 16267036 (cited by Women's Health and Genetics/Laboratory Corporation of America, LabCorp); PubMed 20104584 (cited by Women's Health and Genetics/Laboratory Corporation of America, LabCorp); PubMed 17924331 (cited by Women's Health and Genetics/Laboratory Corporation of America, LabCorp); PubMed 21520273 (cited by Women's Health and Genetics/Laboratory Corporation of America, LabCorp); PubMed 18284688 (cited by Women's Health and Genetics/Laboratory Corporation of America, LabCorp); PubMed 18703817 (cited by Women's Health and Genetics/Laboratory Corporation of America, LabCorp); PubMed 23231788 (cited by Women's Health and Genetics/Laboratory Corporation of America, LabCorp); PubMed 17990525 (cited by Women's Health and Genetics/Laboratory Corporation of America, LabCorp); PubMed 9663595 (cited by Women's Health and Genetics/Laboratory Corporation of America, LabCorp); PubMed 18273839 (cited by Women's Health and Genetics/Laboratory Corporation of America, LabCorp); PubMed 25682074 (cited by Women's Health and Genetics/Laboratory Corporation of America, LabCorp).